The following is an entry in ClinVar:

NM_153717.3(EVC):c.8_9insTGCTGCTGAGTGT (p.Gly4fs)

Genes: EVC (EvC ciliary complex subunit 1; plus strand), LOC129992144 (ATAC-STARR-seq lymphoblastoid silent region 15223; plus strand). Cytogenetic location: 4p16.2.
Variant type: Insertion.
Coding change: c.8_9insTGCTGCTGAGTGT on transcript NM_153717.3 (MANE Select); coding-DNA positions 8 to 9, TGCTGCTGAGTGT inserted.
Protein change: p.Gly4fs; shifts the reading frame from glycine 4.
Molecular consequence: frameshift variant.
Genome position: GRCh38 VCF-style: chr4-5711388-G-GTGCTGCTGAGTGT. GRCh37 (hg19) VCF-style: chr4-5713115-G-GTGCTGCTGAGTGT.
Other names: c.8_9insTGCTGCTGAGTGT, p.Gly4fs (NM_001306090.2, NM_001306092.2); short protein forms G4fs.
Identifiers: ClinVar variation 1725454 (VCV001725454.2), dbSNP rs2474191062, ClinGen allele CA2580070786.

ClinVar aggregate classification (germline): Likely pathogenic (1 of 4 stars; one submission).

Conditions:
Ellis-van Creveld syndrome (EVC). Also called: EVC-Related Ellis-van Creveld Syndrome; EVC2-Related Ellis-van Creveld Syndrome; MESOECTODERMAL DYSPLASIA; Chondroectodermal dysplasia. Identifiers: Orphanet 289, MedGen C0013903, MONDO:0009162, OMIM 225500.

Submission:

Myriad Genetics, Inc.
Classification: Likely pathogenic for Ellis-van Creveld syndrome. Last evaluated: 2022-03-23. Review status: criteria provided, single submitter. Criteria: Myriad Women's Health Autosomal Recessive and X-Linked Classification Criteria (2021). Collection method: clinical testing. Allele origin: unknown.
Comment: NM_153717.2(EVC):c.8_9ins13(G4Afs*73) is expected to be pathogenic in the context of EVC-related Ellis-van Creveld syndrome. This variant is predicted to lead to an abnormal or absent protein product due to the creation of a premature termination codon in EVC, a gene where loss-of-function variants are known to be pathogenic. Please note: this variant was assessed in the context of healthy population screening.